The following is an entry in ClinVar:

ClinVar aggregate classification (germline): Benign/Likely benign. Review status: criteria provided, multiple submitters, no conflicts (2 of 4 stars). 3 submissions from 3 submitters: Benign (1); Likely benign (2). Last evaluated 2025-11-19.

Allele frequency attached by ClinVar (database versions not stated): gnomAD 0.00028; TOPMed 0.00038; 1000 Genomes Project 0.00040; 1000 Genomes Project 30x 0.00047; ExAC 0.00110.

Submissions (3):

Labcorp Genetics (formerly Invitae), Labcorp
Classification: Benign. Last evaluated: 2025-11-19. Review status: criteria provided, single submitter. Criteria: Invitae Variant Classification Sherloc (09022015). Collection method: clinical testing. Allele origin: germline.

Mayo Clinic Laboratories, Mayo Clinic
Classification: Likely benign. Last evaluated: 2025-09-25. Review status: criteria provided, single submitter. Criteria: ACMG Guidelines, 2015. Collection method: clinical testing. Allele origin: germline. Observed: 1 variant allele.
Comment: BS1, BP4, BP7

GeneDx
Classification: Likely benign. Last evaluated: 2019-09-16. Review status: criteria provided, single submitter. Criteria: GeneDx Variant Classification Process June 2021. Collection method: clinical testing. Allele origin: germline. Affected: yes.

NM_000780.4(CYP7A1):c.81-6T>C

Genes: CYP7A1 (cytochrome P450 family 7 subfamily A member 1; minus strand), LOC110596866 (CYP7A1 5' regulatory region; plus strand). Cytogenetic location: 8q12.1.
Variant type: single nucleotide variant.
Coding change: c.81-6T>C on transcript NM_000780.4 (MANE Select); 6 bases into the intron before coding-DNA position 81, T replaced by C.
Molecular consequence: intron variant.
Genome position (GRCh38, 1-based): chr8:58,498,475, A>G on the plus strand (T>C on the coding strand, the complement: CYP7A1 is on the minus strand). VCF-style: chr8-58498475-A-G. GRCh37 (hg19) VCF-style: chr8-59411034-A-G.
Other names: p.?.
Identifiers: ClinVar variation 714151 (VCV000714151.11), dbSNP rs201327280, ClinGen allele CA4756883.